The following is an entry in ClinVar:

ClinVar aggregate classification (germline): Pathogenic/Likely pathogenic. Review status: criteria provided, multiple submitters, no conflicts (2 of 4 stars). 7 submissions from 7 submitters: Pathogenic (5); Likely pathogenic (1). 1 of the submissions does not count toward it. Last evaluated 2026-03-26.

Conditions:
Autosomal dominant osteopetrosis 2. Also called: OSTEOSCLEROSIS FRAGILIS GENERALISATA; Autosomal Dominant Osteopetrosis Type II (ADOII); ALBERS-SCHONBERG DISEASE, AUTOSOMAL DOMINANT; MARBLE BONES, AUTOSOMAL DOMINANT; Osteopetroses; Marble bones. Identifiers: Orphanet 53, MedGen C3179239, MONDO:0008156, OMIM 166600.
CLCN7-related disorder. Also called: CLCN7-related condition.
Disorder of bone. Also called: Bone disease; Bone disorder; Rare bone disease related to a common gene or pathway defect. Identifiers: Orphanet 364803, MedGen C0005940, MONDO:0005381.

Allele frequency attached by ClinVar (database versions not stated): gnomAD exomes below 0.00001 and 0.00001.
gnomAD v4.1: 3 of 1,567,740 alleles (0.00019%); highest among the groups gnomAD compares: Non-Finnish European, 0.00026%; no homozygotes.

Submissions (7):

GeneDx
Classification: Pathogenic. Last evaluated: 2026-03-26. Review status: criteria provided, single submitter. Criteria: GeneDx Variant Classification Process June 2021. Collection method: clinical testing. Allele origin: germline.
Comment: Identified in the heterozygous state in multiple unrelated patients with autosomal dominant osteopetrosis previously tested at GeneDx and in published literature (PMID: 34777883, 11741829, 23443412, 21962762, 12929941, 16118345, 30942407, 31412925, 26395888); Published functional studies demonstrate a significant decrease in acid-activated Cl(-) currents compared to wild type (PMID: 19543743); Not observed at significant frequency in large population cohorts (gnomAD); In silico analysis supports that this missense variant has a deleterious effect on protein structure/function; This variant is associated with the following publications: (PMID: 11741829, 40018371, 39843441, 38702915, 21061117, 26325626, 23443412, 21962762, 12929941, 16118345, 19288050, 23953223, 34777883, 22913777, 19543743, 30942407, 16120485, 31412925, 26395888, 24076519, 37334733, 38724973)

Labcorp Genetics (formerly Invitae), Labcorp
Classification: Pathogenic. Last evaluated: 2025-12-17. Review status: criteria provided, single submitter. Criteria: Invitae Variant Classification Sherloc (09022015). Collection method: clinical testing. Allele origin: germline.
Comment: This sequence change replaces arginine, which is basic and polar, with tryptophan, which is neutral and slightly polar, at codon 286 of the CLCN7 protein (p.Arg286Trp). The frequency data for this variant in the population databases is considered unreliable, as metrics indicate poor data quality at this position in the gnomAD database. This missense change has been observed in individuals with autosomal dominant osteopetrosis (PMID: 11741829, 17164308, 21962762, 30942407, 31412925). ClinVar contains an entry for this variant (Variation ID: 1068483). Invitae Evidence Modeling of protein sequence and biophysical properties (such as structural, functional, and spatial information, amino acid conservation, physicochemical variation, residue mobility, and thermodynamic stability) indicates that this missense variant is expected to disrupt CLCN7 protein function with a positive predictive value of 95%. Experimental studies have shown that this missense change affects CLCN7 function (PMID: 19543743). For these reasons, this variant has been classified as Pathogenic.

Genome Diagnostics Laboratory, The Hospital for Sick Children
Classification: Pathogenic for Disorder of bone. Last evaluated: 2025-11-12. Review status: criteria provided, single submitter. Criteria: ACMG Guidelines, 2015. Collection method: clinical testing. Allele origin: germline. Affected: yes.
Comment: This missense variant results in a change of arginine to tryptophan at position 286, and in silico programs predict this variant to be damaging. This variant was observed in a heterozygous state in several unrelated patients with autosomal dominant type 2 osteopetrosis (PMID: 11741829; PMID: 17164308; PMID: 21962762; PMID: 30942407; PMID: 31412925). In vitro functional studies showed that chloride channel 7 (CLCN7) which is crucial for osteoclastic bone resorption is suppressed in cells expressing the p.Arg286Trp mutant CLCN7 protein (PMID: 19543743). This variant is observed at an allele frequency of 0.00019% in populations of the Genome Aggregation Database (gnomAD). Based on the evidence above, this variant is classified as pathogenic (ACMG criteria - PM2, PM1, PS3, PS4m, PP5, PP3).

Blueprint Genetics
Classification: Pathogenic for CLCN7-related disorders. Last evaluated: 2022-07-13. Review status: criteria provided, single submitter. Criteria: ACMG Guidelines, 2015. Collection method: clinical testing. Allele origin: germline. Affected: yes. Observed: 3 variant alleles.

Laboratory of Medical Genetics, National & Kapodistrian University of Athens
Classification: Pathogenic for Autosomal dominant osteopetrosis 2. Last evaluated: 2022-07-13. Review status: criteria provided, single submitter. Criteria: ACMG Guidelines, 2015. Collection method: clinical testing. Allele origin: germline. Affected: yes.
Comment: PS4, PM2, PM5, PP3, PP5

Kasturba Medical College, Manipal, Kasturba Medical College, Manipal, Manipal Academy of Higher Education, Manipal, India
Classification: Likely pathogenic for Autosomal dominant osteopetrosis 2. Review status: criteria provided, single submitter. Criteria: ACMG Guidelines, 2015. Collection method: research. Allele origin: de novo. Inheritance: Autosomal dominant inheritance. Affected: yes. Observed: 1 heterozygote.
Comment: This variant is absent in homozygous state in the gnomAD (v4.1.0) population database and our in-house data of 3775 exomes. This variant is present in heterozygous state in three individuals in gnomAD (v4.1.0) and absent in in-house database. Another nucleotide change at the same amino acid postion, c.857G>A p.(Arg286Gln) has been reported as disease-causing in heterozygous as well as compound heterozygous state in individuals with osteopetrosis (Gong et al., 2023; Lin et al., 2016).

GeneReviews
No classification provided. Condition: Autosomal dominant osteopetrosis 2. Review status: no classification provided. Collection method: literature only. Allele origin: germline. Not counted in ClinVar's aggregate classification.

Literature cited by the submitters: PubMed 11741829 (cited by 3 submitters); PubMed 17164308 (cited by Labcorp Genetics (formerly Invitae), Labcorp and Genome Diagnostics Laboratory, The Hospital for Sick Children); PubMed 21962762 (cited by 3 submitters); PubMed 30942407 (cited by 3 submitters); PubMed 31412925 (cited by Labcorp Genetics (formerly Invitae), Labcorp and Genome Diagnostics Laboratory, The Hospital for Sick Children); PubMed 19543743 (cited by Labcorp Genetics (formerly Invitae), Labcorp and Genome Diagnostics Laboratory, The Hospital for Sick Children); PubMed 26365571 (cited by Kasturba Medical College, Manipal, Kasturba Medical College, Manipal, Manipal Academy of Higher Education, Manipal, India); PubMed 36793634 (cited by Kasturba Medical College, Manipal, Kasturba Medical College, Manipal, Manipal Academy of Higher Education, Manipal, India); NCBI Bookshelf NBK1127 (cited by GeneReviews).

NM_001287.6(CLCN7):c.856C>T (p.Arg286Trp)

Gene: CLCN7 (Cl-/H+ antiporter 7; minus strand). Cytogenetic location: 16p13.3.
Variant type: single nucleotide variant.
Coding change: c.856C>T on transcript NM_001287.6 (MANE Select); coding-DNA position 856, C replaced by T.
Protein change: p.Arg286Trp; replaces arginine 286 with tryptophan.
Molecular consequence: missense variant.
Genome position (GRCh38, 1-based): chr16:1,456,173, G>A on the plus strand (C>T on the coding strand, the complement: CLCN7 is on the minus strand). VCF-style: chr16-1456173-G-A. GRCh37 (hg19) VCF-style: chr16-1506174-G-A.
Other names: c.784C>T, p.Arg262Trp (NM_001114331.3); c.856C>T (NM_001287.5); short protein forms R262W, R286W.
Identifiers: ClinVar variation 1068483 (VCV001068483.18), dbSNP rs1291061962, ClinGen allele CA394190396.
Genomic context (GRCh38, chr16:1,456,173, plus strand): 5'-CCACGGGGGCTCCAAACGCCGCTGACACTCCGGCCGCAGCCCCTGCGGAGACGAAGTCCC[G>A]CTTCTCTGTGTCTCTGCGGAAGTACTCGAAGATCTGCAACAGGGACAGACCAGGGTCGGG-3'
Protein context (NP_001278.1, residues 276-296): FEYFRRDTEK[Arg286Trp]DFVSAGAAAG